The following is an entry in ClinVar:

NM_144508.5(KNL1):c.6494C>T (p.Ala2165Val)

Gene: KNL1 (kinetochore scaffold 1; plus strand). Cytogenetic location: 15q15.1.
Variant type: single nucleotide variant.
Coding change: c.6494C>T on transcript NM_144508.5 (MANE Select); coding-DNA position 6494, C replaced by T.
Protein change: p.Ala2165Val; replaces alanine 2165 with valine.
Molecular consequence: missense variant.
Genome position (GRCh38, 1-based): chr15:40,657,051, C>T. VCF-style: chr15-40657051-C-T. GRCh37 (hg19) VCF-style: chr15-40949249-C-T.
Other names: c.6572C>T, p.Ala2191Val (NM_170589.5); short protein forms A2165V, A2191V.
Identifiers: ClinVar variation 4857665 (VCV004857665.1).

ClinVar aggregate classification (germline): Uncertain significance (1 of 4 stars; one submission).

Conditions:
Microcephaly 4, primary, autosomal recessive. Identifiers: Orphanet 2512, MedGen C1858516, MONDO:0011437, OMIM 604321.

gnomAD v4.1: 5 of 1,550,178 alleles (0.00032%); highest among the groups gnomAD compares: Non-Finnish European, 0.00044%; no homozygotes.

Submission:

Harry Perkins Institute Of Medical Research, University Of Western Australia
Classification: Uncertain significance for Microcephaly 4, primary, autosomal recessive. Review status: criteria provided, single submitter. Criteria: ACMG Guidelines, 2015. Collection method: research. Allele origin: maternal. Inheritance: Autosomal recessive inheritance. Affected: yes. Observed: 1 compound heterozygote.
Comment: PM2_Supporting: Rare variant for recessive phenotype- Seen in gnomad v4- 5 hets (European), 0 hom; Additional information: Inconclusive in-silico prediction score: CADD 25.3, REVEL 0.107, low splice AI score of 0.03 for acceptor gain 21bp away from missense. However, AAG calculated on Protvar via FoldX suggesting destabilising effect. Protein modelling based on the PDB 4NF9 (i.e., structure of the Knl1/Nsl1 complex) via Dynamut2 also suggests a destablising effect and a change of ALanie to Valine at amino acid position 2165 introduces more hydrophobic interactions and clash within the KNL1 chain. This variant locates in the RWD domain and is in trans with an out-of-frame deletion encompassing Exon 8 subjected to nonsense-mediated decay, seq[GRCh38] 15q15.1(40614329_40615994)x1.